The following is an entry in ClinVar:

NM_001348716.2(KDM6B):c.4190G>A (p.Cys1397Tyr)

Genes: KDM6B (lysine demethylase 6B; plus strand), LOC121587574 (Sharpr-MPRA regulatory region 3930; plus strand). Cytogenetic location: 17p13.1.
Variant type: single nucleotide variant.
Coding change: c.4190G>A on transcript NM_001348716.2 (MANE Select); coding-DNA position 4190, G replaced by A.
Protein change: p.Cys1397Tyr; replaces cysteine 1397 with tyrosine.
Molecular consequence: missense variant.
Genome position (GRCh38, 1-based): chr17:7,851,975, G>A. VCF-style: chr17-7851975-G-A. GRCh37 (hg19) VCF-style: chr17-7755293-G-A.
Other names: c.4190G>A, p.Cys1397Tyr (NM_001080424.2); short protein forms C1397Y.
Identifiers: ClinVar variation 2637044 (VCV002637044.1), dbSNP rs988670906, ClinGen allele CA397927188.

ClinVar aggregate classification (germline): Likely pathogenic (1 of 4 stars; one submission).

Conditions:
KDM6B-related disorder. Also called: KDM6B-related condition.

Submission:

PreventionGenetics, part of Exact Sciences
Classification: Likely pathogenic for KDM6B-related condition. Last evaluated: 2022-10-04. Review status: criteria provided, single submitter. Criteria: ACMG Guidelines, 2015. Collection method: clinical testing. Allele origin: germline.
Comment: The KDM6B c.4190G>A variant is predicted to result in the amino acid substitution p.Cys1397Tyr. To our knowledge, this variant has not been reported in the literature or in a large population database, indicating this variant is rare. This variant is interpreted as likely pathogenic.